The following is an entry in ClinVar:

NM_014956.5(CEP164):c.3216+1del

Gene: CEP164 (centrosomal protein 164; plus strand). Cytogenetic location: 11q23.3.
Variant type: Deletion.
Coding change: c.3216+1del on transcript NM_014956.5 (MANE Select); the canonical splice donor site of the intron after coding-DNA position 3216, one base deleted (G; older notation c.3216+1delG).
Molecular consequence: splice donor variant.
Genome position (GRCh38, 1-based): chr11:117,396,181, G deleted. VCF-style (leftmost placement, unchanged base first): chr11-117396180-AG-A. GRCh37 (hg19) VCF-style: chr11-117266896-AG-A.
Other names: c.3225+1del (NM_001271933.2).
Identifiers: ClinVar variation 2955543 (VCV002955543.3), dbSNP rs2542174972, ClinGen allele CA2616177374.

ClinVar aggregate classification (germline): Likely pathogenic (1 of 4 stars; one submission).

Conditions:
Nephronophthisis 15 (NPHP15). Identifiers: Orphanet 3156, MedGen C3541853, MONDO:0013917, OMIM 614845.

Submission:

Labcorp Genetics (formerly Invitae), Labcorp
Classification: Likely pathogenic for Nephronophthisis 15. Last evaluated: 2025-08-18. Review status: criteria provided, single submitter. Criteria: Invitae Variant Classification Sherloc (09022015). Collection method: clinical testing. Allele origin: germline.
Comment: This sequence change affects a splice site in intron 25 of the CEP164 gene. It is expected to disrupt RNA splicing. Variants that disrupt the donor or acceptor splice site typically lead to a loss of protein function (PMID: 16199547), and loss-of-function variants in CEP164 are known to be pathogenic (PMID: 22863007, 28125082, 32367404, 34132027, 34499853). This variant is not present in population databases (gnomAD no frequency). This variant has not been reported in the literature in individuals affected with CEP164-related conditions. ClinVar contains an entry for this variant (Variation ID: 2955543). Algorithms developed to predict the effect of sequence changes on RNA splicing suggest that this variant may disrupt the consensus splice site. In summary, the currently available evidence indicates that the variant is pathogenic, but additional data are needed to prove that conclusively. Therefore, this variant has been classified as Likely Pathogenic.

Literature cited by the submitters: PubMed 16199547; PubMed 22863007; PubMed 28125082; PubMed 32367404; PubMed 34132027; PubMed 34499853.